The following is an entry in ClinVar:

NM_031475.3(ESPN):c.1193-3C>T

Gene: ESPN (espin; plus strand). Cytogenetic location: 1p36.31.
Variant type: single nucleotide variant.
Coding change: c.1193-3C>T on transcript NM_031475.3 (MANE Select); 3 bases into the intron before coding-DNA position 1193, C replaced by T.
Molecular consequence: intron variant.
Genome position (GRCh38, 1-based): chr1:6,445,661, C>T. VCF-style: chr1-6445661-C-T. GRCh37 (hg19) VCF-style: chr1-6505721-C-T.
Other names: c.1193-3C>T (NM_001367474.1, NM_001367473.1).
Identifiers: ClinVar variation 513456 (VCV000513456.10), dbSNP rs201999263, ClinGen allele CA560156.

ClinVar aggregate classification (germline): Likely benign. Review status: criteria provided, multiple submitters, no conflicts (2 of 4 stars). 3 submissions from 3 submitters: Likely benign (3). Last evaluated 2025-09-02.

Allele frequency attached by ClinVar (database versions not stated): gnomAD exomes 0.00011 and 0.00026; ExAC 0.00033; 1000 Genomes Project 30x 0.00078; 1000 Genomes Project 0.00080; ESP Exome Variant Server 0.00100; gnomAD 0.00108 and 0.00115; TOPMed 0.00116.
gnomAD v4.1: 333 of 1,612,172 alleles (0.021%); highest among the groups gnomAD compares: African/African-American, 0.39%; no homozygotes.

Submissions (3):

Labcorp Genetics (formerly Invitae), Labcorp
Classification: Likely benign. Last evaluated: 2025-09-02. Review status: criteria provided, single submitter. Criteria: Invitae Variant Classification Sherloc (09022015). Collection method: clinical testing. Allele origin: germline.

Blueprint Genetics
Classification: Likely benign. Last evaluated: 2024-07-17. Review status: criteria provided, single submitter. Criteria: ACMG Guidelines, 2015. Collection method: clinical testing. Allele origin: germline.

GeneDx
Classification: Likely benign. Last evaluated: 2017-11-14. Review status: criteria provided, single submitter. Criteria: GeneDx Variant Classification (06012015). Collection method: clinical testing. Allele origin: germline. Affected: yes.
Comment: This variant is considered likely benign or benign based on one or more of the following criteria: it is a conservative change, it occurs at a poorly conserved position in the protein, it is predicted to be benign by multiple in silico algorithms, and/or has population frequency not consistent with disease.